The following is an entry in ClinVar:

NM_005502.4(ABCA1):c.6760G>A (p.Glu2254Lys)

Genes: ABCA1 (ATP binding cassette subfamily A member 1; minus strand), NIPSNAP3B (nipsnap homolog 3B; plus strand). Cytogenetic location: 9q31.1.
Variant type: single nucleotide variant.
Coding change: c.6760G>A on transcript NM_005502.4 (MANE Select); coding-DNA position 6760, G replaced by A.
Protein change: p.Glu2254Lys; replaces glutamic acid 2254 with lysine.
Molecular consequence: missense variant.
Genome position (GRCh38, 1-based): chr9:104,784,341, C>T on the plus strand (G>A on the coding strand, the complement: ABCA1 is on the minus strand). VCF-style: chr9-104784341-C-T. GRCh37 (hg19) VCF-style: chr9-107546622-C-T.
Other names: short protein forms E2254K.
Identifiers: ClinVar variation 1755312 (VCV001755312.3), dbSNP rs745893578, ClinGen allele CA197395846.

ClinVar aggregate classification (germline): Uncertain significance. Review status: criteria provided, multiple submitters, no conflicts (2 of 4 stars). 2 submissions from 2 submitters: Uncertain significance (2). Last evaluated 2021-12-13.

Conditions:
Cardiovascular phenotype. Identifiers: MedGen CN230736.

Allele frequency attached by ClinVar (database versions not stated): gnomAD exomes below 0.00001; TOPMed below 0.00001.
gnomAD v4.1: 3 of 1,614,106 alleles (0.00019%); highest among the groups gnomAD compares: Non-Finnish European, 0.00025%; no homozygotes.

Submissions (2):

Blueprint Genetics
Classification: Uncertain significance. Last evaluated: 2021-12-13. Review status: criteria provided, single submitter. Criteria: ACMG Guidelines, 2015. Collection method: clinical testing. Allele origin: germline.

Ambry Genetics
Classification: Uncertain significance for Cardiovascular phenotype. Last evaluated: 2021-11-19. Review status: criteria provided, single submitter. Criteria: Ambry Variant Classification Scheme 2023. Collection method: clinical testing. Allele origin: germline.
Comment: The p.E2254K variant (also known as c.6760G>A), located in coding exon 49 of the ABCA1 gene, results from a G to A substitution at nucleotide position 6760. The glutamic acid at codon 2254 is replaced by lysine, an amino acid with similar properties. This amino acid position is conserved. In addition, the in silico prediction for this alteration is inconclusive. Since supporting evidence is limited at this time, the clinical significance of this alteration remains unclear.